The following is an entry in ClinVar:

ClinVar aggregate classification (germline): Benign (1 of 4 stars; one submission).

Allele frequency attached by ClinVar (database versions not stated): gnomAD exomes 0.00014; ExAC 0.00022; gnomAD 0.00104 and 0.00114; 1000 Genomes Project 30x 0.00109; TOPMed 0.00121; 1000 Genomes Project 0.00160.

Submission:

GeneDx
Classification: Benign. Last evaluated: 2014-09-02. Review status: criteria provided, single submitter. Criteria: GeneDx Variant Classification (06012015). Collection method: clinical testing. Allele origin: germline. Affected: yes.
Comment: This variant is considered likely benign or benign based on one or more of the following criteria: it is a conservative change, it occurs at a poorly conserved position in the protein, it is predicted to be benign by multiple in silico algorithms, and/or has population frequency not consistent with disease.

NM_004281.4(BAG3):c.-50C>T

Gene: BAG3 (BAG cochaperone 3; plus strand). Cytogenetic location: 10q26.11.
Variant type: single nucleotide variant.
Coding change: c.-50C>T on transcript NM_004281.4 (MANE Select); 50 bases upstream of the start codon, C replaced by T.
Molecular consequence: 5 prime UTR variant.
Genome position (GRCh38, 1-based): chr10:119,651,626, C>T. VCF-style: chr10-119651626-C-T. GRCh37 (hg19) VCF-style: chr10-121411138-C-T.
Identifiers: ClinVar variation 201678 (VCV000201678.1), dbSNP rs527696524, ClinGen allele CA308221.